The following is an entry in ClinVar:

NM_001384732.1(CPLANE1):c.8664-1G>A

Gene: CPLANE1 (ciliogenesis and planar polarity effector complex subunit 1; minus strand). Cytogenetic location: 5p13.2.
Variant type: single nucleotide variant.
Coding change: c.8664-1G>A on transcript NM_001384732.1 (MANE Select); the canonical splice acceptor site of the intron before coding-DNA position 8664, G replaced by A.
Molecular consequence: splice acceptor variant.
Genome position (GRCh38, 1-based): chr5:37,138,849, C>T on the plus strand (G>A on the coding strand, the complement: CPLANE1 is on the minus strand). VCF-style: chr5-37138849-C-T. GRCh37 (hg19) VCF-style: chr5-37138951-C-T.
Other names: c.8502-1G>A (NM_023073.4).
Identifiers: ClinVar variation 2809398 (VCV002809398.3), dbSNP rs757206151, ClinGen allele CA3237698.
Genomic context (GRCh38, chr5:37,138,849, plus strand): 5'-TCATCAATAATGTCTGCAATATCAGTCAATCCAGTCATCTGGAGCGGATGTACTGAAACA[C>T]TTCATTTGCAAATGTAATTTAAGAAATATAAATCAGTATCTACAACTTAATTACATTAAG-3'

ClinVar aggregate classification (germline): Likely pathogenic (1 of 4 stars; one submission).

Allele frequency attached by ClinVar (database versions not stated): ExAC 0.00001.
gnomAD v4.1: 4 of 1,596,464 alleles (0.00025%); highest among the groups gnomAD compares: Admixed American, 0.0055%; no homozygotes.

Submission:

Labcorp Genetics (formerly Invitae), Labcorp
Classification: Likely pathogenic. Last evaluated: 2023-04-18. Review status: criteria provided, single submitter. Criteria: Invitae Variant Classification Sherloc (09022015). Collection method: clinical testing. Allele origin: germline.
Comment: This variant has not been reported in the literature in individuals affected with CPLANE1-related conditions. This variant is present in population databases (rs757206151, gnomAD 0.007%). This sequence change affects an acceptor splice site in intron 44 of the CPLANE1 gene. It is expected to disrupt RNA splicing. Variants that disrupt the donor or acceptor splice site typically lead to a loss of protein function (PMID: 16199547), and loss-of-function variants in CPLANE1 are known to be pathogenic (PMID: 24178751, 26092869). Algorithms developed to predict the effect of sequence changes on RNA splicing suggest that this variant may disrupt the consensus splice site. In summary, the currently available evidence indicates that the variant is pathogenic, but additional data are needed to prove that conclusively. Therefore, this variant has been classified as Likely Pathogenic.

Literature cited by the submitters: PubMed 16199547; PubMed 24178751; PubMed 26092869.